The following is an entry in ClinVar:

ClinVar aggregate classification (germline): Uncertain significance. Review status: criteria provided, multiple submitters, no conflicts (2 of 4 stars). 2 submissions from 2 submitters: Uncertain significance (2). Last evaluated 2024-02-24.

Conditions:
Inborn genetic diseases. Identifiers: MedGen C0950123, MeSH D030342.

Allele frequency attached by ClinVar (database versions not stated): ExAC 0.00003.

Submissions (2):

Labcorp Genetics (formerly Invitae), Labcorp
Classification: Uncertain significance. Last evaluated: 2024-02-24. Review status: criteria provided, single submitter. Criteria: Invitae Variant Classification Sherloc (09022015). Collection method: clinical testing. Allele origin: germline.
Comment: This sequence change replaces valine, which is neutral and non-polar, with methionine, which is neutral and non-polar, at codon 156 of the PYCR1 protein (p.Val156Met). This variant is present in population databases (rs756165046, gnomAD 0.003%). This variant has not been reported in the literature in individuals affected with PYCR1-related conditions. ClinVar contains an entry for this variant (Variation ID: 1984785). Advanced modeling of protein sequence and biophysical properties (such as structural, functional, and spatial information, amino acid conservation, physicochemical variation, residue mobility, and thermodynamic stability) performed at Invitae indicates that this missense variant is not expected to disrupt PYCR1 protein function with a negative predictive value of 80%. In summary, the available evidence is currently insufficient to determine the role of this variant in disease. Therefore, it has been classified as a Variant of Uncertain Significance.

Ambry Genetics
Classification: Uncertain significance for Inborn genetic diseases. Last evaluated: 2024-01-16. Review status: criteria provided, single submitter. Criteria: Ambry Variant Classification Scheme 2023. Collection method: clinical testing. Allele origin: germline.

NM_006907.4(PYCR1):c.466G>A (p.Val156Met)

Gene: PYCR1 (pyrroline-5-carboxylate reductase 1; minus strand). Cytogenetic location: 17q25.3.
Variant type: single nucleotide variant.
Coding change: c.466G>A on transcript NM_006907.4 (MANE Select); coding-DNA position 466, G replaced by A.
Protein change: p.Val156Met; replaces valine 156 with methionine.
Molecular consequence: missense variant.
Genome position (GRCh38, 1-based): chr17:81,935,000, C>T on the plus strand (G>A on the coding strand, the complement: PYCR1 is on the minus strand). VCF-style: chr17-81935000-C-T. GRCh37 (hg19) VCF-style: chr17-79892876-C-T.
Other names: c.466G>A, p.Val156Met (NM_001282279.2, NM_001282280.2, NM_001330523.2 and 1 more transcripts); c.547G>A, p.Val183Met (NM_001282281.2); c.466G>A (NM_006907.2); short protein forms V183M, V156M.
Identifiers: ClinVar variation 1984785 (VCV001984785.3), dbSNP rs756165046, ClinGen allele CA8845437.